The following is an entry in ClinVar:

NM_000202.8(IDS):c.1454_1455del (p.Ile485fs)

Gene: IDS (iduronate 2-sulfatase; minus strand). Cytogenetic location: Xq28.
Variant type: Microsatellite.
Coding change: c.1454_1455del on transcript NM_000202.8 (MANE Select); coding-DNA positions 1454 to 1455, 2 bases deleted (TA; older notation c.1454_1455delTA).
Protein change: p.Ile485fs; shifts the reading frame from isoleucine 485.
Molecular consequence: frameshift variant.
Genome position (GRCh38, 1-based): chrX:149,482,944-149,482,945, TA deleted on the plus strand (TA on the coding strand, the reverse complement: IDS is on the minus strand); deleting any 2 consecutive bases within chrX:149,482,944-149,482,948 gives the same sequence; the c. name uses the placement nearest the transcript's 3' end. VCF-style (leftmost placement, unchanged base first): chrX-149482943-TTA-T. GRCh37 (hg19) VCF-style: chrX-148564474-TTA-T.
Other names: c.1184_1185del, p.Ile395fs (NM_001166550.4); short protein forms I485fs, I395fs.
Identifiers: ClinVar variation 834637 (VCV000834637.9), dbSNP rs2089305017, ClinGen allele CA916084005.
Genomic context (GRCh38, chrX:149,482,943, plus strand): 5'-TGAAGCCAACCCACACAGTATACCTATAGTCTATGGTGCGTATGGAATAGCCCATGATCT[TTA>T]TATCTTTTAAACTCGGCTTGTCAGAATTCCACTGAGGGATGTCTGAAGGCCGGGGATACT-3'

ClinVar aggregate classification (germline): Pathogenic (1 of 4 stars; one submission).

Conditions:
Mucopolysaccharidosis, MPS-II (MPS2). Also called: Mucopolysaccharidosis with skin involvement; IDS deficiency; Sulfoiduronate sulfatase deficiency; SIDS deficiency; Hunter Syndrome; IDURONATE 2-SULFATASE DEFICIENCY. Identifiers: Orphanet 580, Orphanet 79388, MedGen C0026705, MONDO:0010674, OMIM 309900.

Submission:

Labcorp Genetics (formerly Invitae), Labcorp
Classification: Pathogenic for Mucopolysaccharidosis, MPS-II. Last evaluated: 2025-08-20. Review status: criteria provided, single submitter. Criteria: Invitae Variant Classification Sherloc (09022015). Collection method: clinical testing. Allele origin: germline.
Comment: This sequence change creates a premature translational stop signal (p.Ile485Lysfs*13) in the IDS gene. While this is not anticipated to result in nonsense mediated decay, it is expected to disrupt the last 66 amino acid(s) of the IDS protein. This variant is not present in population databases (gnomAD no frequency). This premature translational stop signal has been observed in individual(s) with mucopolysaccharidosis II (internal data). ClinVar contains an entry for this variant (Variation ID: 834637). This variant disrupts the C-terminus of the IDS protein. Other variant(s) that disrupt this region (p.Gln531*, p.Tyr536*, p.Arg468GlyfsX17) have been observed in individuals with IDS-related conditions (PMID: 17091340, 24125893, 24550654). This suggests that this may be a clinically significant region of the protein. For these reasons, this variant has been classified as Pathogenic.

Literature cited by the submitters: PubMed 17091340; PubMed 24125893; PubMed 24550654.